The following is an entry in ClinVar:

ClinVar aggregate classification (germline): Pathogenic (1 of 4 stars; one submission).

Allele frequency attached by ClinVar (database versions not stated): gnomAD exomes below 0.00001.

Submission:

Labcorp Genetics (formerly Invitae), Labcorp
Classification: Pathogenic. Last evaluated: 2026-01-26. Review status: criteria provided, single submitter. Criteria: Invitae Variant Classification Sherloc (09022015). Collection method: clinical testing. Allele origin: germline.
Comment: This sequence change creates a premature translational stop signal (p.Gln334*) in the CDHR1 gene. It is expected to result in an absent or disrupted protein product. Loss-of-function variants in CDHR1 are known to be pathogenic (PMID: 23044944, 23591405, 26103963, 26261414). This variant is present in population databases (no rsID available, gnomAD 0.006%). This variant has not been reported in the literature in individuals affected with CDHR1-related conditions. ClinVar contains an entry for this variant (Variation ID: 1071089). For these reasons, this variant has been classified as Pathogenic.

Literature cited by the submitters: PubMed 23044944; PubMed 23591405; PubMed 26103963; PubMed 26261414.

NM_033100.4(CDHR1):c.1000C>T (p.Gln334Ter)

Gene: CDHR1 (cadherin related family member 1; plus strand). Cytogenetic location: 10q23.1.
Variant type: single nucleotide variant.
Coding change: c.1000C>T on transcript NM_033100.4 (MANE Select); coding-DNA position 1000, C replaced by T.
Protein change: p.Gln334Ter; replaces glutamine 334 with a stop codon.
Molecular consequence: nonsense.
Genome position (GRCh38, 1-based): chr10:84,208,210, C>T. VCF-style: chr10-84208210-C-T. GRCh37 (hg19) VCF-style: chr10-85967966-C-T.
Other names: c.1000C>T, p.Gln334Ter (NM_001171971.3); short protein forms Q334*.
Identifiers: ClinVar variation 1071089 (VCV001071089.8), dbSNP rs1340364290, ClinGen allele CA377374365.